The following is an entry in ClinVar:

NM_013296.5(GPSM2):c.-258C>T

Genes: GPSM2 (G protein signaling modulator 2; plus strand), LOC129931083 (ATAC-STARR-seq lymphoblastoid silent region 1138; plus strand). Cytogenetic location: 1p13.3.
Variant type: single nucleotide variant.
Coding change: c.-258C>T on transcript NM_013296.5 (MANE Select); 258 bases upstream of the start codon, C replaced by T.
Molecular consequence: 5 prime UTR variant.
Genome position (GRCh38, 1-based): chr1:108,877,219, C>T. VCF-style: chr1-108877219-C-T. GRCh37 (hg19) VCF-style: chr1-109419841-C-T.
Other names: c.-26C>T (NM_001321038.2); c.-258C>T (NM_001321039.3).
Identifiers: ClinVar variation 291698 (VCV000291698.8), dbSNP rs35520362, ClinGen allele CA10607349.

ClinVar aggregate classification (germline): Benign/Likely benign. Review status: criteria provided, multiple submitters, no conflicts (2 of 4 stars). 4 submissions from 4 submitters: Benign (2); Likely benign (2). Last evaluated 2020-02-11.

Conditions:
Chudley-McCullough syndrome (CMCS). Also called: Deafness, autosomal recessive 82; DEAFNESS, SENSORINEURAL, WITH PARTIAL AGENESIS OF THE CORPUS CALLOSUM AND ARACHNOID CYSTS. Identifiers: Orphanet 314597, MedGen C1858695, MONDO:0011411, OMIM 604213.

Allele frequency attached by ClinVar (database versions not stated): gnomAD exomes 0.03488; 1000 Genomes Project 0.06689; 1000 Genomes Project 30x 0.06855; TOPMed 0.08880; gnomAD 0.09326 and 0.09545.
gnomAD v4.1: 14,183 of 152,204 alleles (9.3%); highest among the groups gnomAD compares: Non-Finnish European, 10%; 708 homozygotes.

Submissions (4):

Dubai Health Genomic Medicine Center, Dubai Health
Classification: Benign. Last evaluated: 2020-02-11. Review status: criteria provided, single submitter. Criteria: ACMG Guidelines, 2015. Collection method: clinical testing. Allele origin: germline. Affected: yes.

Illumina Laboratory Services, Illumina
Classification: Likely benign for Chudley-McCullough syndrome. Last evaluated: 2018-01-12. Review status: criteria provided, single submitter. Criteria: ICSL Variant Classification Criteria 13 December 2019. Collection method: clinical testing. Allele origin: germline.
Comment: This variant was observed in the ICSL laboratory as part of a predisposition screen in an ostensibly healthy population. It had not been previously curated by ICSL or reported in the Human Gene Mutation Database (HGMD: prior to June 1st, 2018), and was therefore a candidate for classification through an automated scoring system. Utilizing variant allele frequency, disease prevalence and penetrance estimates, and inheritance mode, an automated score was calculated to assess if this variant is too frequent to cause the disease. Based on the score and internal cut-off values, a variant classified as likely benign is not then subjected to further curation. The score for this variant resulted in a classification of likely benign for this disease.

GeneDx
Classification: Benign. Last evaluated: 2016-01-14. Review status: criteria provided, single submitter. Criteria: GeneDx Variant Classification (06012015). Collection method: clinical testing. Allele origin: germline. Affected: yes.
Comment: This variant is considered likely benign or benign based on one or more of the following criteria: it is a conservative change, it occurs at a poorly conserved position in the protein, it is predicted to be benign by multiple in silico algorithms, and/or has population frequency not consistent with disease.

Breakthrough Genomics
Classification: Likely benign. Review status: criteria provided, single submitter. Criteria: ACMG Guidelines, 2015. Collection method: not provided. Allele origin: germline. Inheritance: Autosomal recessive inheritance. Affected: yes.